The following is an entry in ClinVar:

NM_198525.3(KIF7):c.2861C>T (p.Thr954Met)

Gene: KIF7 (kinesin family member 7; minus strand). Cytogenetic location: 15q26.1.
Variant type: single nucleotide variant.
Coding change: c.2861C>T on transcript NM_198525.3 (MANE Select); coding-DNA position 2861, C replaced by T.
Protein change: p.Thr954Met; replaces threonine 954 with methionine.
Molecular consequence: missense variant.
Genome position (GRCh38, 1-based): chr15:89,632,854, G>A on the plus strand (C>T on the coding strand, the complement: KIF7 is on the minus strand). VCF-style: chr15-89632854-G-A. GRCh37 (hg19) VCF-style: chr15-90176085-G-A.
Other names: short protein forms T954M.
Identifiers: ClinVar variation 287636 (VCV000287636.24), dbSNP rs141463861, ClinGen allele CA7727926.
Genomic context (GRCh38, chr15:89,632,854, plus strand): 5'-CAGGATCTCTCCTGGCAGGGCCTCACCTGGCTGGATCTCAGGCGCTTGCTCTCCAGCCCC[G>A]TCTTCTCCTGCATCAGGGCCTCCTTCTTGGCCAGGATGGCCTCCCGCTTGTGGAGCTCCT-3'
Protein context (NP_940927.2, residues 944-964): AKKEALMQEK[Thr954Met]GLESKRLRSS

ClinVar aggregate classification (germline): Conflicting classifications of pathogenicity. Review status: criteria provided, conflicting classifications (1 of 4 stars). 6 submissions from 6 submitters: Uncertain significance (2); Benign (1); Likely benign (3). Last evaluated 2025-11-05.

Conditions:
Inborn genetic diseases. Identifiers: MedGen C0950123, MeSH D030342.
Acrocallosal syndrome (ACLS). Also called: HALLUX DUPLICATION, POSTAXIAL POLYDACTYLY, AND ABSENCE OF CORPUS CALLOSUM; Schinzel syndrome 1; Absence of corpus callosum with unusual facial appearance, mental deficiency, duplication of the halluces and polydactyly. Identifiers: Orphanet 36, MedGen C0796147, MONDO:0008708, OMIM 200990.

Allele frequency attached by ClinVar (database versions not stated): gnomAD exomes 0.00025; ExAC 0.00034; 1000 Genomes Project 30x 0.00094; TOPMed 0.00099; gnomAD 0.00103 and 0.00108; 1000 Genomes Project 0.00120; ESP Exome Variant Server 0.00154.
gnomAD v4.1: 305 of 1,608,900 alleles (0.019%); highest among the groups gnomAD compares: African/African-American, 0.3%; no homozygotes.

Submissions (6):

Labcorp Genetics (formerly Invitae), Labcorp
Classification: Likely benign for Acrocallosal syndrome. Last evaluated: 2025-11-05. Review status: criteria provided, single submitter. Criteria: Invitae Variant Classification Sherloc (09022015). Collection method: clinical testing. Allele origin: germline.

GeneDx
Classification: Uncertain significance. Last evaluated: 2025-08-22. Review status: criteria provided, single submitter. Criteria: GeneDx Variant Classification Process June 2021. Collection method: clinical testing. Allele origin: germline. Affected: yes.
Comment: In silico analysis supports that this missense variant has a deleterious effect on protein structure/function; Has not been previously published as pathogenic or benign to our knowledge

Blueprint Genetics
Classification: Benign. Last evaluated: 2024-06-26. Review status: criteria provided, single submitter. Criteria: ACMG Guidelines, 2015. Collection method: clinical testing. Allele origin: germline.

Ambry Genetics
Classification: Likely benign for Inborn genetic diseases. Last evaluated: 2024-05-30. Review status: criteria provided, single submitter. Criteria: Ambry Variant Classification Scheme 2023. Collection method: clinical testing. Allele origin: germline.

Illumina Laboratory Services, Illumina
Classification: Likely benign for Acrocallosal syndrome. Last evaluated: 2018-01-13. Review status: criteria provided, single submitter. Criteria: ICSL Variant Classification Criteria 13 December 2019. Collection method: clinical testing. Allele origin: germline.
Comment: This variant was observed in the ICSL laboratory as part of a predisposition screen in an ostensibly healthy population. It had not been previously curated by ICSL or reported in the Human Gene Mutation Database (HGMD: prior to June 1st, 2018), and was therefore a candidate for classification through an automated scoring system. Utilizing variant allele frequency, disease prevalence and penetrance estimates, and inheritance mode, an automated score was calculated to assess if this variant is too frequent to cause the disease. Based on the score and internal cut-off values, a variant classified as likely benign is not then subjected to further curation. The score for this variant resulted in a classification of likely benign for this disease.

Eurofins Ntd Llc (ga)
Classification: Uncertain significance. Last evaluated: 2016-06-01. Review status: criteria provided, single submitter. Criteria: EGL Classification Definitions 2015. Collection method: clinical testing. Allele origin: germline. Observed: 1 variant allele, 1 heterozygote.